The following is an entry in ClinVar:

ClinVar aggregate classification (germline): Uncertain significance (1 of 4 stars; one submission).

Conditions:
Inborn genetic diseases. Identifiers: MedGen C0950123, MeSH D030342.

Submission:

Ambry Genetics
Classification: Uncertain significance for Inborn genetic diseases. Last evaluated: 2023-02-16. Review status: criteria provided, single submitter. Criteria: Ambry Variant Classification Scheme 2023. Collection method: clinical testing. Allele origin: germline.
Comment: The p.D2231Y variant (also known as c.6691G>T), located in coding exon 45 of the LRRK2 gene, results from a G to T substitution at nucleotide position 6691. The aspartic acid at codon 2231 is replaced by tyrosine, an amino acid with highly dissimilar properties. This amino acid position is conserved. In addition, the in silico prediction for this alteration is inconclusive. Since supporting evidence is limited at this time, the clinical significance of this alteration remains unclear.

NM_198578.4(LRRK2):c.6691G>T (p.Asp2231Tyr)

Gene: LRRK2 (leucine rich repeat kinase 2; plus strand). Cytogenetic location: 12q12.
Variant type: single nucleotide variant.
Coding change: c.6691G>T on transcript NM_198578.4 (MANE Select); coding-DNA position 6691, G replaced by T.
Protein change: p.Asp2231Tyr; replaces aspartic acid 2231 with tyrosine.
Molecular consequence: missense variant.
Genome position (GRCh38, 1-based): chr12:40,354,413, G>T. VCF-style: chr12-40354413-G-T. GRCh37 (hg19) VCF-style: chr12-40748215-G-T.
Other names: short protein forms D2231Y.
Identifiers: ClinVar variation 2453114 (VCV002453114.2), dbSNP rs2499993694, ClinGen allele CA384409325.